The following is an entry in ClinVar:

ClinVar aggregate classification (germline): Uncertain significance. Review status: criteria provided, multiple submitters, no conflicts (2 of 4 stars). 2 submissions from 2 submitters: Uncertain significance (2). Last evaluated 2023-03-02.

Conditions:
Inborn genetic diseases. Identifiers: MedGen C0950123, MeSH D030342.
Aland island eye disease (AIED). Also called: Forsius Eriksson type ocular albinism. Identifiers: Orphanet 178333, MedGen C0268505, MONDO:0010371, OMIM 300600.
X-linked cone-rod dystrophy 3 (CORDX3). Identifiers: Orphanet 1872, MedGen C1845407, MONDO:0010335, OMIM 300476.
Congenital stationary night blindness 2A (CSNB2A). Also called: Night blindness, congenital stationary (incomplete), 2A, X-linked; CSNB, INCOMPLETE, X-LINKED; NIGHT BLINDNESS, CONGENITAL STATIONARY, TYPE 2; CACNA1F-Related X-Linked Congenital Stationary Night Blindness. Identifiers: Orphanet 215, MedGen C1848172, MONDO:0010241, OMIM 300071.

Submissions (2):

Ambry Genetics
Classification: Uncertain significance for Inborn genetic diseases. Last evaluated: 2023-03-02. Review status: criteria provided, single submitter. Criteria: Ambry Variant Classification Scheme 2023. Collection method: clinical testing. Allele origin: germline.

Juno Genomics, Hangzhou Juno Genomics, Inc
Classification: Uncertain significance for Aland island eye disease; X-linked cone-rod dystrophy 3; Congenital stationary night blindness 2A. Review status: criteria provided, single submitter. Criteria: ACMG Guidelines, 2015. Collection method: clinical testing. Allele origin: germline.
Comment: Absent from controls (or at extremely low frequency if recessive) in Genome Aggregation Database.;Multiple lines of computational evidence support a deleterious effect on the gene or gene product.

NM_001256789.3(CACNA1F):c.1862T>C (p.Ile621Thr)

Gene: CACNA1F (calcium voltage-gated channel subunit alpha1 F; minus strand). Cytogenetic location: Xp11.23.
Variant type: single nucleotide variant.
Coding change: c.1862T>C on transcript NM_001256789.3 (MANE Select); coding-DNA position 1862, T replaced by C.
Protein change: p.Ile621Thr; replaces isoleucine 621 with threonine.
Molecular consequence: missense variant.
Genome position (GRCh38, 1-based): chrX:49,224,776, A>G on the plus strand (T>C on the coding strand, the complement: CACNA1F is on the minus strand). VCF-style: chrX-49224776-A-G. GRCh37 (hg19) VCF-style: chrX-49081238-A-G.
Other names: c.1700T>C, p.Ile567Thr (NM_001256790.3); c.1895T>C, p.Ile632Thr (NM_005183.4); short protein forms I567T, I621T, I632T.
Identifiers: ClinVar variation 2492972 (VCV002492972.4), dbSNP rs2519119943, ClinGen allele CA412914426.